The following is an entry in ClinVar:

ClinVar aggregate classification (germline): Uncertain significance (1 of 4 stars; one submission).

Submission:

Labcorp Genetics (formerly Invitae), Labcorp
Classification: Uncertain significance. Last evaluated: 2025-11-10. Review status: criteria provided, single submitter. Criteria: Invitae Variant Classification Sherloc (09022015). Collection method: clinical testing. Allele origin: germline.
Comment: This sequence change replaces alanine, which is neutral and non-polar, with valine, which is neutral and non-polar, at codon 276 of the HOXB13 protein (p.Ala276Val). This variant is not present in population databases (gnomAD no frequency). This variant has not been reported in the literature in individuals affected with HOXB13-related conditions. ClinVar contains an entry for this variant (Variation ID: 3667459). Invitae Evidence Modeling of protein sequence and biophysical properties (such as structural, functional, and spatial information, amino acid conservation, physicochemical variation, residue mobility, and thermodynamic stability) indicates that this missense variant is not expected to disrupt HOXB13 protein function with a negative predictive value of 80%. In summary, the available evidence is currently insufficient to determine the role of this variant in disease. Therefore, it has been classified as a Variant of Uncertain Significance.

NM_006361.6(HOXB13):c.827C>T (p.Ala276Val)

Gene: HOXB13 (homeobox B13; minus strand). Cytogenetic location: 17q21.32.
Variant type: single nucleotide variant.
Coding change: c.827C>T on transcript NM_006361.6 (MANE Select); coding-DNA position 827, C replaced by T.
Protein change: p.Ala276Val; replaces alanine 276 with valine.
Molecular consequence: missense variant.
Genome position (GRCh38, 1-based): chr17:48,726,818, G>A on the plus strand (C>T on the coding strand, the complement: HOXB13 is on the minus strand). VCF-style: chr17-48726818-G-A. GRCh37 (hg19) VCF-style: chr17-46804180-G-A.
Other names: short protein forms A276V.
Identifiers: ClinVar variation 3667459 (VCV003667459.2).